The following is an entry in ClinVar:

ClinVar aggregate classification (germline): Uncertain significance (1 of 4 stars; one submission).

Conditions:
Early-infantile DEE. Also called: Early infantile epileptic encephalopathy; Early infantile epileptic encephalopathy with suppression bursts; Ohtahara syndrome. Identifiers: Orphanet 1934, MedGen C0393706, MONDO:0800491.

Submission:

Labcorp Genetics (formerly Invitae), Labcorp
Classification: Uncertain significance for Early-infantile DEE. Last evaluated: 2023-02-14. Review status: criteria provided, single submitter. Criteria: Invitae Variant Classification Sherloc (09022015). Collection method: clinical testing. Allele origin: germline.
Comment: This sequence change replaces lysine, which is basic and polar, with glutamine, which is neutral and polar, at codon 417 of the KCNQ2 protein (p.Lys417Gln). In summary, the available evidence is currently insufficient to determine the role of this variant in disease. Therefore, it has been classified as a Variant of Uncertain Significance. Algorithms developed to predict the effect of missense changes on protein structure and function (SIFT, PolyPhen-2, Align-GVGD) all suggest that this variant is likely to be tolerated. This variant has not been reported in the literature in individuals affected with KCNQ2-related conditions. This variant is not present in population databases (gnomAD no frequency).

NM_172107.4(KCNQ2):c.1249A>C (p.Lys417Gln)

Gene: KCNQ2 (potassium voltage-gated channel subfamily Q member 2; minus strand). Cytogenetic location: 20q13.33.
Variant type: single nucleotide variant.
Coding change: c.1249A>C on transcript NM_172107.4 (MANE Select); coding-DNA position 1249, A replaced by C.
Protein change: p.Lys417Gln; replaces lysine 417 with glutamine.
Molecular consequence: missense variant. On other transcripts: intron variant (4).
Genome position (GRCh38, 1-based): chr20:63,419,671, T>G on the plus strand (A>C on the coding strand, the complement: KCNQ2 is on the minus strand). VCF-style: chr20-63419671-T-G. GRCh37 (hg19) VCF-style: chr20-62051024-T-G.
Other names: c.1217+4506A>C (NM_004518.6); c.1247+4506A>C (NM_172108.5, NM_172106.3, NM_001382235.1); short protein forms K417Q.
Identifiers: ClinVar variation 2837449 (VCV002837449.3), dbSNP rs2145588263, ClinGen allele CA409648572.